The following is an entry in ClinVar:

NM_153252.5(BRWD3):c.398T>A (p.Leu133Gln)

Gene: BRWD3 (bromodomain and WD repeat domain containing 3; minus strand). Cytogenetic location: Xq21.1.
Variant type: single nucleotide variant.
Coding change: c.398T>A on transcript NM_153252.5 (MANE Select); coding-DNA position 398, T replaced by A.
Protein change: p.Leu133Gln; replaces leucine 133 with glutamine.
Molecular consequence: missense variant.
Genome position (GRCh38, 1-based): chrX:80,791,886, A>T on the plus strand (T>A on the coding strand, the complement: BRWD3 is on the minus strand). VCF-style: chrX-80791886-A-T. GRCh37 (hg19) VCF-style: chrX-80047385-A-T.
Other names: short protein forms L133Q.
Identifiers: ClinVar variation 3614386 (VCV003614386.2).

ClinVar aggregate classification (germline): Uncertain significance (1 of 4 stars; one submission).

gnomAD v4.1: 7 of 1,205,730 alleles (0.00058%); highest among the groups gnomAD compares: Admixed American, 0.0088%; no homozygotes.

Submission:

Labcorp Genetics (formerly Invitae), Labcorp
Classification: Uncertain significance. Last evaluated: 2025-01-22. Review status: criteria provided, single submitter. Criteria: Invitae Variant Classification Sherloc (09022015). Collection method: clinical testing. Allele origin: germline.
Comment: This sequence change replaces leucine, which is neutral and non-polar, with glutamine, which is neutral and polar, at codon 133 of the BRWD3 protein (p.Leu133Gln). This variant is present in population databases (no rsID available, gnomAD 0.004%). This variant has not been reported in the literature in individuals affected with BRWD3-related conditions. Invitae Evidence Modeling of protein sequence and biophysical properties (such as structural, functional, and spatial information, amino acid conservation, physicochemical variation, residue mobility, and thermodynamic stability) indicates that this missense variant is not expected to disrupt BRWD3 protein function with a negative predictive value of 80%. In summary, the available evidence is currently insufficient to determine the role of this variant in disease. Therefore, it has been classified as a Variant of Uncertain Significance.